The following is an entry in ClinVar:

ClinVar aggregate classification (germline): Uncertain significance (1 of 4 stars; one submission).

Submission:

GeneDx
Classification: Uncertain significance. Last evaluated: 2025-07-30. Review status: criteria provided, single submitter. Criteria: GeneDx Variant Classification Process June 2021. Collection method: clinical testing. Allele origin: germline. Affected: yes.
Comment: Not observed at significant frequency in large population cohorts (gnomAD); In silico analysis suggests that this variant does not alter protein structure/function; Has not been previously published as pathogenic or benign to our knowledge

NM_014458.4(KLHL20):c.1630_1634delinsGGTAT (p.Arg544_Ser545delinsGlyIle)

Gene: KLHL20 (kelch like family member 20; plus strand). Cytogenetic location: 1q25.1.
Variant type: Indel.
Coding change: c.1630_1634delinsGGTAT on transcript NM_014458.4 (MANE Select); coding-DNA positions 1630 to 1634, CGTAG replaced by GGTAT.
Protein change: p.Arg544_Ser545delinsGlyIle.
Molecular consequence: missense variant.
Genome position (GRCh38, 1-based): chr1:173,775,834-173,775,838, CGTAG replaced by GGTAT. VCF-style: chr1-173775834-CGTAG-GGTAT. GRCh37 (hg19) VCF-style: chr1-173744973-CGTAG-GGTAT.
Identifiers: ClinVar variation 3373121 (VCV003373121.2).
Genomic context (GRCh38, chr1:173,775,834, plus strand): 5'-GCTGAGAGATACAACCCCAGAACCAACCAGTGGTCTCCAGTGGTGGCCATGACATCACGC[CGTAG>GGTAT]TGGAGTAAGTGGTTATGGACACTTAGGTTGCTTCCAAATCTTGGCTATTAATAGTGCTGC-3'